The following is an entry in ClinVar:

ClinVar aggregate classification (germline): Uncertain significance (1 of 4 stars; one submission).

Allele frequency attached by ClinVar (database versions not stated): gnomAD exomes below 0.00001.
gnomAD v4.1: 1 of 1,609,480 alleles (0.000062%); highest among the groups gnomAD compares: Non-Finnish European, 0.000085%; no homozygotes.

Submission:

Labcorp Genetics (formerly Invitae), Labcorp
Classification: Uncertain significance. Last evaluated: 2022-08-19. Review status: criteria provided, single submitter. Criteria: Invitae Variant Classification Sherloc (09022015). Collection method: clinical testing. Allele origin: germline.
Comment: In summary, the available evidence is currently insufficient to determine the role of this variant in disease. Therefore, it has been classified as a Variant of Uncertain Significance. Algorithms developed to predict the effect of sequence changes on RNA splicing suggest that this variant may disrupt the consensus splice site. This variant has not been reported in the literature in individuals affected with GHSR-related conditions. This variant is not present in population databases (gnomAD no frequency). This sequence change falls in intron 1 of the GHSR gene. It does not directly change the encoded amino acid sequence of the GHSR protein.

NM_198407.2(GHSR):c.797-9T>A

Gene: GHSR (growth hormone secretagogue receptor; minus strand). Cytogenetic location: 3q26.31.
Variant type: single nucleotide variant.
Coding change: c.797-9T>A on transcript NM_198407.2 (MANE Select); 9 bases into the intron before coding-DNA position 797, T replaced by A.
Molecular consequence: intron variant.
Genome position (GRCh38, 1-based): chr3:172,445,474, A>T on the plus strand (T>A on the coding strand, the complement: GHSR is on the minus strand). VCF-style: chr3-172445474-A-T. GRCh37 (hg19) VCF-style: chr3-172163264-A-T.
Identifiers: ClinVar variation 2135644 (VCV002135644.4), dbSNP rs2473554737, ClinGen allele CA2580069084.